The following is an entry in ClinVar:

NM_001042492.3(NF1):c.3622T>C (p.Leu1208=)

Gene: NF1 (neurofibromin 1; plus strand). Cytogenetic location: 17q11.2.
Variant type: single nucleotide variant.
Coding change: c.3622T>C on transcript NM_001042492.3 (MANE Select); coding-DNA position 3622, T replaced by C.
Protein change: p.Leu1208=; no amino-acid change (leucine 1208 retained).
Molecular consequence: synonymous variant.
Genome position (GRCh38, 1-based): chr17:31,233,127, T>C. VCF-style: chr17-31233127-T-C. GRCh37 (hg19) VCF-style: chr17-29560145-T-C.
Other names: c.3622T>C, p.Leu1208= (NM_000267.4).
Identifiers: ClinVar variation 1125181 (VCV001125181.10), dbSNP rs2151435620, ClinGen allele CA499443778.
Genomic context (GRCh38, chr17:31,233,127, plus strand): 5'-CAACAAGGCACAGAATTTGACACACTTGCAGAAACAGTATTGGCTGATCGGTTTGAGAGA[T>C]TGGTGGAACTGGTCACAATGATGGGTGATCAAGGAGAACTCCCTATAGCGATGGCTCTGG-3'
Protein context (NP_001035957.1, residues 1198-1218): ETVLADRFER[Leu1208=]VELVTMMGDQ

ClinVar aggregate classification (germline): Benign/Likely benign. Review status: criteria provided, multiple submitters, no conflicts (2 of 4 stars). 3 submissions from 3 submitters: Benign (1); Likely benign (2). Last evaluated 2026-05-20.

Conditions:
Neurofibromatosis, type 1 (NF1). Also called: Peripheral type neurofibromatosis; NEUROFIBROMATOSIS, TYPE I, SOMATIC; VON RECKLINGHAUSEN DISEASE; Neurofibromatosis, type I. Identifiers: Orphanet 636, MedGen C0027831, MONDO:0018975, OMIM 162200. Disease mechanism: loss of function.
Cardiovascular phenotype. Identifiers: MedGen CN230736.
Hereditary cancer-predisposing syndrome. Also called: Neoplastic Syndromes, Hereditary; Tumor predisposition; Hereditary Cancer Syndrome; Hereditary neoplastic syndrome. Identifiers: Orphanet 140162, MedGen C0027672, MeSH D009386, MONDO:0015356.

Submissions (3):

Myriad Genetics, Inc.
Classification: Benign for Neurofibromatosis, type 1. Last evaluated: 2026-05-20. Review status: criteria provided, single submitter. Criteria: Myriad Autosomal Dominant, Autosomal Recessive and X-Linked Classification Criteria (2023). Collection method: clinical testing. Allele origin: unknown.
Comment: This variant is considered benign. This variant is a silent/synonymous amino acid change and it is not expected to impact splicing.

Labcorp Genetics (formerly Invitae), Labcorp
Classification: Likely benign for Neurofibromatosis, type 1. Last evaluated: 2026-01-13. Review status: criteria provided, single submitter. Criteria: Invitae Variant Classification Sherloc (09022015). Collection method: clinical testing. Allele origin: germline.

Ambry Genetics
Classification: Likely benign for Cardiovascular phenotype; Hereditary cancer-predisposing syndrome. Last evaluated: 2017-11-21. Review status: criteria provided, single submitter. Criteria: Ambry Variant Classification Scheme 2023. Collection method: clinical testing. Allele origin: germline.